The following is an entry in ClinVar:

ClinVar aggregate classification (germline): Uncertain significance (1 of 4 stars; one submission).

Conditions:
Immunodeficiency 51 (IMD51). Also called: CANDIDIASIS, FAMILIAL, 5. Identifiers: Orphanet 1334, MedGen C4310803, MONDO:0013500, OMIM 613953.

Allele frequency attached by ClinVar (database versions not stated): TOPMed below 0.00001; gnomAD exomes 0.00001.
gnomAD v4.1: 6 of 1,551,936 alleles (0.00039%); highest among the groups gnomAD compares: South Asian, 0.0012%; no homozygotes.

Submission:

Labcorp Genetics (formerly Invitae), Labcorp
Classification: Uncertain significance for Immunodeficiency 51. Last evaluated: 2022-07-06. Review status: criteria provided, single submitter. Criteria: Invitae Variant Classification Sherloc (09022015). Collection method: clinical testing. Allele origin: germline.
Comment: ClinVar contains an entry for this variant (Variation ID: 1447683). Algorithms developed to predict the effect of missense changes on protein structure and function (SIFT, PolyPhen-2, Align-GVGD) all suggest that this variant is likely to be tolerated. In summary, the available evidence is currently insufficient to determine the role of this variant in disease. Therefore, it has been classified as a Variant of Uncertain Significance. This variant has not been reported in the literature in individuals affected with IL17RA-related conditions. This sequence change replaces glycine, which is neutral and non-polar, with serine, which is neutral and polar, at codon 853 of the IL17RA protein (p.Gly853Ser). The frequency data for this variant in the population databases is considered unreliable, as metrics indicate poor data quality at this position in the gnomAD database.

NM_014339.7(IL17RA):c.2557G>A (p.Gly853Ser)

Gene: IL17RA (interleukin 17 receptor A; plus strand). Cytogenetic location: 22q11.1.
Variant type: single nucleotide variant.
Coding change: c.2557G>A on transcript NM_014339.7 (MANE Select); coding-DNA position 2557, G replaced by A.
Protein change: p.Gly853Ser; replaces glycine 853 with serine.
Molecular consequence: missense variant.
Genome position (GRCh38, 1-based): chr22:17,109,776, G>A. VCF-style: chr22-17109776-G-A. GRCh37 (hg19) VCF-style: chr22-17590666-G-A.
Other names: c.2455G>A, p.Gly819Ser (NM_001289905.2); short protein forms G853S, G819S.
Identifiers: ClinVar variation 1447683 (VCV001447683.6), dbSNP rs952667528, ClinGen allele CA321155183.